The following is an entry in ClinVar:

NM_000063.6(C2):c.2022C>T (p.Pro674=)

Gene: C2 (complement C2; plus strand). Cytogenetic location: 6p21.33.
Variant type: single nucleotide variant.
Coding change: c.2022C>T on transcript NM_000063.6 (MANE Select); coding-DNA position 2022, C replaced by T.
Protein change: p.Pro674=; no amino-acid change (proline 674 retained).
Molecular consequence: synonymous variant.
Genome position (GRCh38, 1-based): chr6:31,944,846, C>T. VCF-style: chr6-31944846-C-T. GRCh37 (hg19) VCF-style: chr6-31912623-C-T.
Other names: c.1626C>T, p.Pro542= (NM_001145903.3); c.1380C>T, p.Pro460= (NM_001178063.3); c.1284C>T, p.Pro428= (NM_001282457.2); c.1935C>T, p.Pro645= (NM_001282458.2).
Identifiers: ClinVar variation 3768340 (VCV003768340.1).

ClinVar aggregate classification (germline): Likely benign (1 of 4 stars; one submission).

gnomAD v4.1: 29 of 1,612,982 alleles (0.0018%); highest among the groups gnomAD compares: Non-Finnish European, 0.0025%; no homozygotes.

Submission:

Women's Health and Genetics/Laboratory Corporation of America, LabCorp
Classification: Likely benign. Last evaluated: 2024-12-03. Review status: criteria provided, single submitter. Criteria: LabCorp Variant Classification Summary - May 2015. Collection method: clinical testing. Allele origin: germline.
Comment: Variant summary: C2 c.2022C>T alters a non-conserved nucleotide resulting in a synonymous change. Consensus agreement among computation tools predict no significant impact on normal splicing. However, these predictions have yet to be confirmed by functional studies. The variant allele was found at a frequency of 4.1e-06 in 246588 control chromosomes (gnomAD). The available data on variant occurrences in the general population are insufficient to allow any conclusion about variant significance. To our knowledge, no occurrence of c.2022C>T in individuals affected with age-related macular degeneration and no experimental evidence demonstrating its impact on protein function have been reported. No submitters have cited clinical-significance assessments for this variant to ClinVar. Based on the evidence outlined above, the variant was classified as likely benign.